The following is an entry in ClinVar:

NM_001283009.2(RTEL1):c.3488C>T (p.Ala1163Val)

Genes: RTEL1-TNFRSF6B (RTEL1-TNFRSF6B readthrough (NMD candidate); plus strand), RTEL1 (regulator of telomere elongation helicase 1; plus strand). Cytogenetic location: 20q13.33.
Variant type: single nucleotide variant.
Coding change: c.3488C>T on transcript NM_001283009.2 (MANE Select); coding-DNA position 3488, C replaced by T.
Protein change: p.Ala1163Val; replaces alanine 1163 with valine.
Molecular consequence: missense variant. On other transcripts: non-coding transcript variant (1).
Genome position (GRCh38, 1-based): chr20:63,695,210, C>T. VCF-style: chr20-63695210-C-T. GRCh37 (hg19) VCF-style: chr20-62326563-C-T.
Other names: c.3560C>T (NM_032957.4); c.2819C>T, p.Ala940Val (NM_001283010.1); c.3488C>T, p.Ala1163Val (NM_016434.4); c.3560C>T, p.Ala1187Val (NM_032957.5); short protein forms A1163V, A1187V, A940V.
Identifiers: ClinVar variation 3762534 (VCV003762534.3).

ClinVar aggregate classification (germline): Uncertain significance. Review status: criteria provided, single submitter (1 of 4 stars). 2 submissions from 2 submitters: Uncertain significance (1). 1 of the submissions does not count toward it. Last evaluated 2024-02-05.

Conditions:
Dyskeratosis congenita, autosomal recessive 5 (DKCB5). Identifiers: MedGen C3554656, MONDO:0014076, OMIM 615190.
Pulmonary fibrosis and/or bone marrow failure, Telomere-related, 3. Also called: PULMONARY FIBROSIS AND/OR BONE MARROW FAILURE SYNDROME, TELOMERE-RELATED, 3. Identifiers: Orphanet 2032, MedGen C4225346, MONDO:0014613, OMIM 616373.
Dyskeratosis congenita. Identifiers: Orphanet 1775, MedGen C0265965, MONDO:0015780.

gnomAD v4.1: 2 of 1,611,882 alleles (0.00012%); highest among the groups gnomAD compares: Non-Finnish European, 0.00017%; no homozygotes.

Submissions (2):

Labcorp Genetics (formerly Invitae), Labcorp
Classification: Uncertain significance for Dyskeratosis congenita, autosomal recessive 5; Pulmonary fibrosis and/or bone marrow failure, Telomere-related, 3. Last evaluated: 2024-02-05. Review status: criteria provided, single submitter. Criteria: Invitae Variant Classification Sherloc (09022015). Collection method: clinical testing. Allele origin: germline.
Comment: This sequence change replaces alanine, which is neutral and non-polar, with valine, which is neutral and non-polar, at codon 1163 of the RTEL1 protein (p.Ala1163Val). This variant is not present in population databases (gnomAD no frequency). This variant has not been reported in the literature in individuals affected with RTEL1-related conditions. An algorithm developed to predict the effect of missense changes on protein structure and function (PolyPhen-2) suggests that this variant is likely to be tolerated. In summary, the available evidence is currently insufficient to determine the role of this variant in disease. Therefore, it has been classified as a Variant of Uncertain Significance.

Natera, Inc.
Classification: Uncertain significance for Dyskeratosis congenita. Last evaluated: 2025-03-20. Review status: no assertion criteria provided. Collection method: clinical testing. Allele origin: germline. Not counted in ClinVar's aggregate classification.